The following is an entry in ClinVar:

NM_001267550.2(TTN):c.84466G>C (p.Gly28156Arg)

Genes: TTN (titin; minus strand), TTN-AS1 (TTN antisense RNA 1; plus strand). Cytogenetic location: 2q31.2.
Variant type: single nucleotide variant.
Coding change: c.84466G>C on transcript NM_001267550.2 (MANE Select); coding-DNA position 84466, G replaced by C.
Protein change: p.Gly28156Arg; replaces glycine 28156 with arginine.
Molecular consequence: missense variant.
Genome position (GRCh38, 1-based): chr2:178,561,666, C>G on the plus strand (G>C on the coding strand, the complement: TTN is on the minus strand). VCF-style: chr2-178561666-C-G. GRCh37 (hg19) VCF-style: chr2-179426393-C-G.
Other names: p.G26515R:GGT>CGT; c.84466G>C (NM_001267550.1); c.79543G>C, p.Gly26515Arg (NM_001256850.1); c.57271G>C, p.Gly19091Arg (NM_003319.4); c.76762G>C, p.Gly25588Arg (NM_133378.4); c.57646G>C, p.Gly19216Arg (NM_133432.3); c.57847G>C, p.Gly19283Arg (NM_133437.4); short protein forms G28156R, G26515R, G25588R, G19091R, G19283R, G19216R.
Identifiers: ClinVar variation 196071 (VCV000196071.16), dbSNP rs763560084, ClinGen allele CA302894.

ClinVar aggregate classification (germline): Uncertain significance. Review status: criteria provided, multiple submitters, no conflicts (2 of 4 stars). 7 submissions from 7 submitters: Uncertain significance (7). Last evaluated 2026-02-09.

Conditions:
TTN-related disorder. Also called: TTN-related condition; TTN-related disease; TTN-related disorders.
Cardiovascular phenotype. Identifiers: MedGen CN230736.

Allele frequency attached by ClinVar (database versions not stated): gnomAD exomes 0.00005; ExAC 0.00006; gnomAD 0.00007 and 0.00009; TOPMed 0.00016.
gnomAD v4.1: 86 of 1,606,922 alleles (0.0054%); highest among the groups gnomAD compares: Admixed American, 0.03%; no homozygotes.

Submissions (7):

PreventionGenetics, part of Exact Sciences
Classification: Uncertain significance for TTN-related condition. Last evaluated: 2026-02-09. Review status: criteria provided, single submitter. Criteria: ACMG Guidelines, 2015. Collection method: clinical testing. Allele origin: germline.
Comment: The TTN c.84466G>C variant is predicted to result in the amino acid substitution p.Gly28156Arg. To our knowledge, this variant has not been reported in the literature. This variant is reported in 0.020% of alleles in individuals of Latino descent in gnomAD. At this time, the clinical significance of this variant is uncertain due to the absence of conclusive functional and genetic evidence.

Women's Health and Genetics/Laboratory Corporation of America, LabCorp
Classification: Uncertain significance. Last evaluated: 2025-10-13. Review status: criteria provided, single submitter. Criteria: LabCorp Variant Classification Summary - May 2015. Collection method: clinical testing. Allele origin: germline.

Athena Diagnostics
Classification: Uncertain significance. Last evaluated: 2022-08-02. Review status: criteria provided, single submitter. Criteria: Athena Diagnostics Criteria. Collection method: clinical testing. Allele origin: unknown.

Revvity Omics, Revvity
Classification: Uncertain significance. Last evaluated: 2019-04-23. Review status: criteria provided, single submitter. Criteria: ACMG Guidelines, 2015. Collection method: clinical testing. Allele origin: germline.

Ambry Genetics
Classification: Uncertain significance for Cardiovascular phenotype. Last evaluated: 2018-02-15. Review status: criteria provided, single submitter. Criteria: Ambry Variant Classification Scheme 2023. Collection method: clinical testing. Allele origin: germline.
Comment: The p.G19091R variant (also known as c.57271G>C), located in coding exon 153 of the TTN gene, results from a G to C substitution at nucleotide position 57271. The glycine at codon 19091 is replaced by arginine, an amino acid with dissimilar properties. This amino acid position is highly conserved in available vertebrate species. In addition, the in silico prediction for this alteration is inconclusive. Since supporting evidence is limited at this time, the clinical significance of this alteration remains unclear.

Eurofins Ntd Llc (ga)
Classification: Uncertain significance. Last evaluated: 2015-06-03. Review status: criteria provided, single submitter. Criteria: EGL Classification Definitions 2015. Collection method: clinical testing. Allele origin: germline. Observed: 1 variant allele, 1 heterozygote.

GeneDx
Classification: Uncertain significance. Last evaluated: 2014-03-14. Review status: criteria provided, single submitter. Criteria: GeneDx Variant Classification (06012015). Collection method: clinical testing. Allele origin: germline. Affected: yes.
Comment: Missense variants in the TTN gene are considered 'unclassified' if they are not previously reported in the literature and do not have >1% frequency in the population to be considered a polymorphism. Research indicates that truncating mutations in the TTN gene are expected to account for approximately 25% of familial and 18% of sporadic idiopathic DCM; however, truncating variants in the TTN gene have been reported in approximately 3% of reported control alleles. There has been little investigation into non-truncating variants. (Herman D et al. Truncations of titin causing dilated cardiomyopathy. N Eng J Med 366:619-628, 2012) The variant is found in CARDIOMYOPATHY panel(s).